The following is an entry in ClinVar:

NM_014905.5(GLS):c.1037A>G (p.Lys346Arg)

Gene: GLS (glutaminase; plus strand). Cytogenetic location: 2q32.2.
Variant type: single nucleotide variant.
Coding change: c.1037A>G on transcript NM_014905.5 (MANE Select); coding-DNA position 1037, A replaced by G.
Protein change: p.Lys346Arg; replaces lysine 346 with arginine.
Molecular consequence: missense variant.
Genome position (GRCh38, 1-based): chr2:190,910,320, A>G. VCF-style: chr2-190910320-A-G. GRCh37 (hg19) VCF-style: chr2-191775046-A-G.
Other names: c.1037A>G, p.Lys346Arg (NM_001256310.2); short protein forms K346R.
Identifiers: ClinVar variation 1049350 (VCV001049350.1), dbSNP rs770047438, ClinGen allele CA2029353.

ClinVar aggregate classification (germline): Uncertain significance (0 of 4 stars; one submission).

Allele frequency attached by ClinVar (database versions not stated): TOPMed 0.00001; ExAC 0.00002; gnomAD 0.00002; gnomAD exomes 0.00002 and 0.00005.
gnomAD v4.1: 71 of 1,554,886 alleles (0.0046%); highest among the groups gnomAD compares: Non-Finnish European, 0.006%; no homozygotes.

Submission:

Department of Pathology and Laboratory Medicine, Sinai Health System
Classification: Uncertain significance. Review status: no assertion criteria provided. Collection method: clinical testing. Allele origin: unknown. Affected: yes. Study: The Canadian Open Genetics Repository (COGR).
Comment: The GLS p.Lys346Arg variant was not identified in the literature nor was it identified in ClinVar or LOVD 3.0. The variant was identified in dbSNP (ID: rs770047438) and in control databases in 5 of 241608 chromosomes at a frequency of 0.00002069 (Genome Aggregation Database March 6, 2019, v2.1.1). The variant was observed in the European (non-Finnish) population in 5 of 109908 chromosomes (freq: 0.000045), but was not observed in the African, Latino, Ashkenazi Jewish, East Asian, European (Finnish), Other, or South Asian populations. The p.Lys346 residue is not conserved in mammals and four out of five computational analyses (PolyPhen-2, SIFT, AlignGVGD, BLOSUM, MutationTaster) do not suggest a high likelihood of impact to the protein; however, this information is not predictive enough to rule out pathogenicity. The p.Lys346Arg variant occurs in the second last base of the exon; this position has been shown to be part of the splicing consensus sequence and variants involving this position sometimes affect splicing. In addition, 2 of 4 in silico or computational prediction software programs (SpliceSiteFinder, MaxEntScan, NNSPLICE, GeneSplicer) predict a greater than 10% difference in splicing; however this is not predictive enough to assume pathogenicity. In summary, based on the above information the clinical significance of this variant cannot be determined with certainty at this time. This variant is classified as a variant of uncertain significance.